The following is an entry in ClinVar:

ClinVar aggregate classification (germline): Uncertain significance (1 of 4 stars; one submission).

Conditions:
Familial hypobetalipoproteinemia 1. Also called: APOB-Related Familial Hypobetalipoproteinemia; Hypobetalipoproteinemia, normotriglyceridemic; Acanthocytosis with hypobetalipoproteinemia. Identifiers: MedGen C4551990, MONDO:0014252, OMIM 615558.
Hypercholesterolemia, autosomal dominant, type B (FHCL2). Also called: Familial Hypercholesterolemia Type B; APOLIPOPROTEIN B-100, FAMILIAL DEFECTIVE; APOLIPOPROTEIN B-100, FAMILIAL LIGAND-DEFECTIVE; HYPERCHOLESTEROLEMIA, FAMILIAL, DUE TO LIGAND-DEFECTIVE APOLIPOPROTEIN B; Hyperlipoproteinemia Type IIb; Familial hypercholesterolemia 2. Identifiers: MedGen C1704417, MONDO:0007751, OMIM 144010.

Allele frequency attached by ClinVar (database versions not stated): TOPMed 0.00001.
gnomAD v4.1: 2 of 1,614,188 alleles (0.00012%); highest among the groups gnomAD compares: Admixed American, 0.0017%; no homozygotes.

Submission:

Labcorp Genetics (formerly Invitae), Labcorp
Classification: Uncertain significance for Familial hypobetalipoproteinemia 1; Hypercholesterolemia, autosomal dominant, type B. Last evaluated: 2024-10-15. Review status: criteria provided, single submitter. Criteria: Invitae Variant Classification Sherloc (09022015). Collection method: clinical testing. Allele origin: germline.
Comment: This sequence change replaces lysine, which is basic and polar, with glutamic acid, which is acidic and polar, at codon 707 of the APOB protein (p.Lys707Glu). This variant is not present in population databases (gnomAD no frequency). This missense change has been observed in individual(s) with familial hypercholesterolemia (PMID: 36105085). Invitae Evidence Modeling of protein sequence and biophysical properties (such as structural, functional, and spatial information, amino acid conservation, physicochemical variation, residue mobility, and thermodynamic stability) indicates that this missense variant is not expected to disrupt APOB protein function with a negative predictive value of 95%. In summary, the available evidence is currently insufficient to determine the role of this variant in disease. Therefore, it has been classified as a Variant of Uncertain Significance.

Literature cited by the submitters: PubMed 36105085.

NM_000384.3(APOB):c.2119A>G (p.Lys707Glu)

Gene: APOB (apolipoprotein B; minus strand). Cytogenetic location: 2p24.1.
Variant type: single nucleotide variant.
Coding change: c.2119A>G on transcript NM_000384.3 (MANE Select); coding-DNA position 2119, A replaced by G.
Protein change: p.Lys707Glu; replaces lysine 707 with glutamic acid.
Molecular consequence: missense variant.
Genome position (GRCh38, 1-based): chr2:21,026,913, T>C on the plus strand (A>G on the coding strand, the complement: APOB is on the minus strand). VCF-style: chr2-21026913-T-C. GRCh37 (hg19) VCF-style: chr2-21249785-T-C.
Other names: short protein forms K707E.
Identifiers: ClinVar variation 3761237 (VCV003761237.2), dbSNP rs942258196.